The following is an entry in ClinVar:

NM_024753.5(TTC21B):c.2747C>G (p.Thr916Arg)

Gene: TTC21B (tetratricopeptide repeat domain 21B; minus strand). Cytogenetic location: 2q24.3.
Variant type: single nucleotide variant.
Coding change: c.2747C>G on transcript NM_024753.5 (MANE Select); coding-DNA position 2747, C replaced by G.
Protein change: p.Thr916Arg; replaces threonine 916 with arginine.
Molecular consequence: missense variant.
Genome position (GRCh38, 1-based): chr2:165,901,732, G>C on the plus strand (C>G on the coding strand, the complement: TTC21B is on the minus strand). VCF-style: chr2-165901732-G-C. GRCh37 (hg19) VCF-style: chr2-166758242-G-C.
Other names: short protein forms T916R.
Identifiers: ClinVar variation 1468747 (VCV001468747.8), dbSNP rs781416133, ClinGen allele CA1941739.

ClinVar aggregate classification (germline): Uncertain significance (1 of 4 stars; one submission).

Conditions:
Jeune thoracic dystrophy. Also called: Jeune syndrome; Infantile thoracic dystrophy; Thoracic pelvic phalangeal dystrophy; Jeune's syndrome; Chondroectodermal dysplasia-like syndrome; Short-rib thoracic dysplasia. Identifiers: Orphanet 474, MedGen C0265275, MONDO:0018770.
Nephronophthisis. Also called: Juvenile Nephronophthisis. Identifiers: Orphanet 655, MedGen C0687120, MONDO:0019005, HP:0000090.

Allele frequency attached by ClinVar (database versions not stated): gnomAD exomes below 0.00001 and 0.00001; ExAC 0.00001; TOPMed 0.00001.
gnomAD v4.1: 4 of 1,613,832 alleles (0.00025%); highest among the groups gnomAD compares: Middle Eastern, 0.016%; no homozygotes.

Submission:

Labcorp Genetics (formerly Invitae), Labcorp
Classification: Uncertain significance for Jeune thoracic dystrophy; Nephronophthisis. Last evaluated: 2021-07-18. Review status: criteria provided, single submitter. Criteria: Invitae Variant Classification Sherloc (09022015). Collection method: clinical testing. Allele origin: germline.
Comment: This sequence change replaces threonine with arginine at codon 916 of the TTC21B protein (p.Thr916Arg). The threonine residue is highly conserved and there is a moderate physicochemical difference between threonine and arginine. This variant is present in population databases (rs781416133, ExAC 0.009%). This variant has not been reported in the literature in individuals affected with TTC21B-related conditions. Algorithms developed to predict the effect of missense changes on protein structure and function are either unavailable or do not agree on the potential impact of this missense change (SIFT: "Deleterious"; PolyPhen-2: "Benign"; Align-GVGD: "Class C65"). In summary, the available evidence is currently insufficient to determine the role of this variant in disease. Therefore, it has been classified as a Variant of Uncertain Significance.